The following is an entry in ClinVar:

ClinVar aggregate classification (germline): Uncertain significance (1 of 4 stars; one submission).

Allele frequency attached by ClinVar (database versions not stated): gnomAD 0.00001; gnomAD exomes 0.00001; ExAC 0.00002; ESP Exome Variant Server 0.00008.
gnomAD v4.1: 14 of 1,613,602 alleles (0.00087%); highest among the groups gnomAD compares: East Asian, 0.0022%; no homozygotes.

Submission:

Labcorp Genetics (formerly Invitae), Labcorp
Classification: Uncertain significance. Last evaluated: 2022-05-05. Review status: criteria provided, single submitter. Criteria: Invitae Variant Classification Sherloc (09022015). Collection method: clinical testing. Allele origin: germline.
Comment: This sequence change replaces isoleucine, which is neutral and non-polar, with valine, which is neutral and non-polar, at codon 4 of the COQ8A protein (p.Ile4Val). This variant is present in population databases (rs372487479, gnomAD 0.003%). This variant has not been reported in the literature in individuals affected with COQ8A-related conditions. Advanced modeling of protein sequence and biophysical properties (such as structural, functional, and spatial information, amino acid conservation, physicochemical variation, residue mobility, and thermodynamic stability) performed at Invitae indicates that this missense variant is not expected to disrupt COQ8A protein function. In summary, the available evidence is currently insufficient to determine the role of this variant in disease. Therefore, it has been classified as a Variant of Uncertain Significance.

NM_020247.5(COQ8A):c.10A>G (p.Ile4Val)

Gene: COQ8A (coenzyme Q8A; plus strand). Cytogenetic location: 1q42.13.
Variant type: single nucleotide variant.
Coding change: c.10A>G on transcript NM_020247.5 (MANE Select); coding-DNA position 10, A replaced by G.
Protein change: p.Ile4Val; replaces isoleucine 4 with valine.
Molecular consequence: missense variant.
Genome position (GRCh38, 1-based): chr1:226,961,395, A>G. VCF-style: chr1-226961395-A-G. GRCh37 (hg19) VCF-style: chr1-227149096-A-G.
Other names: short protein forms I4V.
Identifiers: ClinVar variation 1985006 (VCV001985006.1), dbSNP rs372487479, ClinGen allele CA1424905.